The following is an entry in ClinVar:

NM_213655.5(WNK1):c.3369C>G (p.Ile1123Met)

Gene: WNK1 (WNK lysine deficient protein kinase 1; plus strand). Cytogenetic location: 12p13.33.
Variant type: single nucleotide variant.
Coding change: c.3369C>G on transcript NM_213655.5 (MANE Plus Clinical); coding-DNA position 3369, C replaced by G.
Protein change: p.Ile1123Met; replaces isoleucine 1123 with methionine.
Molecular consequence: missense variant. On other transcripts: intron variant (2).
Genome position (GRCh38, 1-based): chr12:868,840, C>G. VCF-style: chr12-868840-C-G. GRCh37 (hg19) VCF-style: chr12-978006-C-G.
Other names: c.3114C>G, p.Ile1038Met (NM_001184985.2); c.2140-2425C>G (NM_018979.4, NM_014823.3); short protein forms I1038M, I1123M.
Identifiers: ClinVar variation 3372982 (VCV003372982.1).

ClinVar aggregate classification (germline): Uncertain significance (1 of 4 stars; one submission).

gnomAD v4.1: 1 of 1,614,014 alleles (0.000062%); highest among the groups gnomAD compares: Non-Finnish European, 0.000085%; no homozygotes.

Submission:

GeneDx
Classification: Uncertain significance. Last evaluated: 2024-04-22. Review status: criteria provided, single submitter. Criteria: GeneDx Variant Classification Process June 2021. Collection method: clinical testing. Allele origin: germline. Affected: yes.
Comment: Not observed at significant frequency in large population cohorts (gnomAD); In silico analysis indicates that this missense variant does not alter protein structure/function; Has not been previously published as pathogenic or benign to our knowledge